The following is an entry in ClinVar:

NM_001127671.2(LIFR):c.194G>C (p.Cys65Ser)

Gene: LIFR (LIF receptor subunit alpha; minus strand). Cytogenetic location: 5p13.1.
Variant type: single nucleotide variant.
Coding change: c.194G>C on transcript NM_001127671.2 (MANE Select); coding-DNA position 194, G replaced by C.
Protein change: p.Cys65Ser; replaces cysteine 65 with serine.
Molecular consequence: missense variant.
Genome position (GRCh38, 1-based): chr5:38,528,789, C>G on the plus strand (G>C on the coding strand, the complement: LIFR is on the minus strand). VCF-style: chr5-38528789-C-G. GRCh37 (hg19) VCF-style: chr5-38528891-C-G.
Other names: c.194G>C (NM_002310.5); c.194G>C, p.Cys65Ser (NM_001364297.2, NM_001364298.2, NM_002310.6); short protein forms C65S.
Identifiers: ClinVar variation 3064186 (VCV003064186.4), dbSNP rs1561179800, ClinGen allele CA359615998.

ClinVar aggregate classification (germline): Conflicting classifications of pathogenicity. Review status: criteria provided, conflicting classifications (1 of 4 stars). 2 submissions from 2 submitters: Likely pathogenic (1); Likely benign (1). Last evaluated 2026-06-05.

Conditions:
Stüve-Wiedemann syndrome 1. Also called: STUVE-WIEDEMANN/SCHWARTZ-JAMPEL TYPE 2 SYNDROME. Identifiers: Orphanet 3206, MedGen C5676888, MONDO:0800043, OMIM 601559.

gnomAD v4.1: 1 of 1,595,554 alleles (0.000063%); highest among the groups gnomAD compares: Non-Finnish European, 0.000086%; no homozygotes.

Submissions (2):

GeneDx
Classification: Likely pathogenic. Last evaluated: 2026-06-05. Review status: criteria provided, single submitter. Criteria: GeneDx Variant Classification Process June 2021. Collection method: clinical testing. Allele origin: germline.
Comment: Published functional in vitro studies suggest an altered glycosylation pattern on the mutant protein (PMID: 26285796); Not observed at significant frequency in large population cohorts (gnomAD); In silico analysis supports that this missense variant has a deleterious effect on protein structure/function; This variant is associated with the following publications: (PMID: 26285796, 26077850)

Genomic Medicine Center of Excellence, King Faisal Specialist Hospital and Research Centre
Classification: Likely benign for Stüve-Wiedemann syndrome 1. Last evaluated: 2024-03-17. Review status: criteria provided, single submitter. Criteria: ACMG Guidelines, 2015. Collection method: research. Allele origin: germline.